The following is an entry in ClinVar:

ClinVar aggregate classification (germline): Uncertain significance (1 of 4 stars; one submission).

Conditions:
Multiple congenital anomalies-hypotonia-seizures syndrome 1 (MCAHS1). Also called: PIGN-CDG; Congenital disorder of glycosylation due to PIGN deficiency; GLYCOSYLPHOSPHATIDYLINOSITOL BIOSYNTHESIS DEFECT 3. Identifiers: Orphanet 280633, MedGen C3279775, MONDO:0013563, OMIM 614080.

Submission:

Labcorp Genetics (formerly Invitae), Labcorp
Classification: Uncertain significance for Multiple congenital anomalies-hypotonia-seizures syndrome 1. Last evaluated: 2022-09-27. Review status: criteria provided, single submitter. Criteria: Invitae Variant Classification Sherloc (09022015). Collection method: clinical testing. Allele origin: germline.
Comment: In summary, the available evidence is currently insufficient to determine the role of this variant in disease. Therefore, it has been classified as a Variant of Uncertain Significance. This variant has not been reported in the literature in individuals affected with PIGN-related conditions. This variant results in a copy number gain of the genomic region encompassing exon(s) 4-16 of the PIGN gene. This region includes the initiator codon of the gene. This copy number gain extends beyond the assayed region for this gene and therefore may encompass additional genes. As the precise location of this event is unknown, it may be in tandem or it may be located elsewhere in the genome.

NC_000018.9:g.(?_59780347)_(59828586_?)dup

Gene: PIGN (phosphatidylinositol glycan anchor biosynthesis class N; minus strand). Cytogenetic location: 18q21.33.
Variant type: Duplication.
Identifiers: ClinVar variation 2427544 (VCV002427544.4).